The following is an entry in ClinVar:

NM_020975.6(RET):c.2464G>C (p.Val822Leu)

Gene: RET (ret proto-oncogene; plus strand). Cytogenetic location: 10q11.21.
Variant type: single nucleotide variant.
Coding change: c.2464G>C on transcript NM_020975.6 (MANE Select); coding-DNA position 2464, G replaced by C.
Protein change: p.Val822Leu; replaces valine 822 with leucine.
Molecular consequence: missense variant.
Genome position (GRCh38, 1-based): chr10:43,119,602, G>C. VCF-style: chr10-43119602-G-C. GRCh37 (hg19) VCF-style: chr10-43615050-G-C.
Other names: c.2464G>C, p.Val822Leu (NM_000323.2, NM_001406743.1, NM_001406744.1 and 4 more transcripts); c.1702G>C, p.Val568Leu (NM_001355216.2); c.2335G>C, p.Val779Leu (NM_001406761.1, NM_001406762.1, NM_001406764.1); c.2329G>C, p.Val777Leu (NM_001406763.1, NM_001406765.1); c.2176G>C, p.Val726Leu (NM_001406766.1, NM_001406767.1, NM_001406770.1); c.2200G>C, p.Val734Leu (NM_001406768.1); c.2068G>C, p.Val690Leu (NM_001406769.1, NM_001406772.1); c.2026G>C, p.Val676Leu (NM_001406771.1, NM_001406773.1); and 10 more; short protein forms V822L, V568L, V480L, V523L, V676L, V726L, V427L, V690L.
Identifiers: ClinVar variation 1355958 (VCV001355958.12), dbSNP rs1588877202, ClinGen allele CA376556280.
Genomic context (GRCh38, chr10:43,119,602, plus strand): 5'-CTCATCGTGGAGTACGCCAAATACGGCTCCCTGCGGGGCTTCCTCCGCGAGAGCCGCAAA[G>C]TGGGGCCTGGCTACCTGGGCAGTGGAGGCAGCCGCAACTCCAGCTCCCTGGACCACCCGG-3'
Protein context (NP_066124.1, residues 812-832): LRGFLRESRK[Val822Leu]GPGYLGSGGS

ClinVar aggregate classification (germline): Uncertain significance. Review status: criteria provided, multiple submitters, no conflicts (2 of 4 stars). 3 submissions from 3 submitters: Uncertain significance (3). Last evaluated 2024-05-09.

Conditions:
Hereditary cancer-predisposing syndrome. Also called: Neoplastic Syndromes, Hereditary; Tumor predisposition; Hereditary neoplastic syndrome; Hereditary Cancer Syndrome. Identifiers: Orphanet 140162, MedGen C0027672, MeSH D009386, MONDO:0015356.
Multiple endocrine neoplasia, type 2 (MEN2). Identifiers: Orphanet 653, MedGen C4048306, MONDO:0019003. Disease mechanism: gain of function.

Submissions (3):

All of Us Research Program, National Institutes of Health
Classification: Uncertain significance for Multiple endocrine neoplasia, type 2. Last evaluated: 2024-05-09. Review status: criteria provided, single submitter. Criteria: ACMG Guidelines, 2015. Collection method: clinical testing. Allele origin: germline. Inheritance: Autosomal dominant inheritance. Observed: 1 variant allele, 1 heterozygote.
Comment: This study involves interpretation of variants in research participants for the purpose of population health screening. Participant phenotype was not available at the time of variant classification. Additional details can be found in publication PMID: 35346344, PMCID: PMC8962531

Labcorp Genetics (formerly Invitae), Labcorp
Classification: Uncertain significance for Multiple endocrine neoplasia, type 2. Last evaluated: 2021-05-21. Review status: criteria provided, single submitter. Criteria: Invitae Variant Classification Sherloc (09022015). Collection method: clinical testing. Allele origin: germline.
Comment: This variant is not present in population databases (ExAC no frequency). In summary, the available evidence is currently insufficient to determine the role of this variant in disease. Therefore, it has been classified as a Variant of Uncertain Significance. Algorithms developed to predict the effect of missense changes on protein structure and function (SIFT, PolyPhen-2, Align-GVGD) all suggest that this variant is likely to be tolerated, but these predictions have not been confirmed by published functional studies and their clinical significance is uncertain. This variant has not been reported in the literature in individuals with RET-related conditions. This sequence change replaces valine with leucine at codon 822 of the RET protein (p.Val822Leu). The valine residue is moderately conserved and there is a small physicochemical difference between valine and leucine.

Ambry Genetics
Classification: Uncertain significance for Hereditary cancer-predisposing syndrome. Last evaluated: 2020-04-15. Review status: criteria provided, single submitter. Criteria: Ambry Variant Classification Scheme 2023. Collection method: clinical testing. Allele origin: germline.
Comment: The p.V822L variant (also known as c.2464G>C), located in coding exon 14 of the RET gene, results from a G to C substitution at nucleotide position 2464. The valine at codon 822 is replaced by leucine, an amino acid with highly similar properties. This amino acid position is not well conserved in available vertebrate species. In addition, this alteration is predicted to be tolerated by in silico analysis. Since supporting evidence is limited at this time, the clinical significance of this alteration remains unclear.